The following is an entry in ClinVar:

ClinVar aggregate classification (germline): Pathogenic (1 of 4 stars; one submission).

Conditions:
Familial adenomatous polyposis 1 (FAP1). Also called: FAMILIAL ADENOMATOUS POLYPOSIS 1, ATTENUATED; POLYPOSIS, ADENOMATOUS INTESTINAL. Identifiers: MedGen C2713442, MONDO:0021056, OMIM 175100. Disease mechanism: loss of function.

Submission:

Myriad Genetics, Inc.
Classification: Pathogenic for Familial adenomatous polyposis 1. Last evaluated: 2025-04-16. Review status: criteria provided, single submitter. Criteria: Myriad Autosomal Dominant, Autosomal Recessive and X-Linked Classification Criteria (2023). Collection method: clinical testing. Allele origin: unknown.
Comment: This variant is considered pathogenic. This variant creates a termination codon and is predicted to result in premature protein truncation.

NM_000038.6(APC):c.1500_1501delinsA (p.Tyr500_Ala501delinsTer)

Gene: APC (APC regulator of Wnt signaling pathway; plus strand). Cytogenetic location: 5q22.2.
Variant type: Indel.
Coding change: c.1500_1501delinsA on transcript NM_000038.6 (MANE Select); coding-DNA positions 1500 to 1501, TG replaced by A.
Protein change: p.Tyr500_Ala501delinsTer.
Molecular consequence: nonsense.
Genome position (GRCh38, 1-based): chr5:112,827,199-112,827,200, TG replaced by A. VCF-style: chr5-112827199-TG-A. GRCh37 (hg19) VCF-style: chr5-112162896-TG-A.
Other names: c.1500_1501delinsA, p.Tyr500_Ala501delinsTer (NM_001127510.3, NM_001354895.2, NM_001407450.1); c.1446_1447delinsA, p.Tyr482_Ala483delinsTer (NM_001127511.3); c.1554_1555delinsA, p.Tyr518_Ala519delinsTer (NM_001354896.2, NM_001407447.1, NM_001407448.1 and 1 more transcripts); c.1530_1531delinsA, p.Tyr510_Ala511delinsTer (NM_001354897.2); c.1425_1426delinsA, p.Tyr475_Ala476delinsTer (NM_001354898.2); c.1416_1417delinsA, p.Tyr472_Ala473delinsTer (NM_001354899.2); c.1377_1378delinsA, p.Tyr459_Ala460delinsTer (NM_001354900.2); c.1323_1324delinsA, p.Tyr441_Ala442delinsTer (NM_001354901.2, NM_001407453.1); and 11 more.
Identifiers: ClinVar variation 4071370 (VCV004071370.1).